The following is an entry in ClinVar:

NM_000368.5(TSC1):c.1530_1531del (p.Asp510fs)

Gene: TSC1 (TSC complex subunit 1; minus strand). Cytogenetic location: 9q34.13.
Variant type: Deletion.
Coding change: c.1530_1531del on transcript NM_000368.5 (MANE Select); coding-DNA positions 1530 to 1531, 2 bases deleted (CA; older notation c.1530_1531delCA).
Protein change: p.Asp510fs; shifts the reading frame from aspartic acid 510.
Molecular consequence: frameshift variant.
Genome position (GRCh38, 1-based): chr9:132,906,047-132,906,048, TG deleted on the plus strand (CA on the coding strand, the reverse complement: TSC1 is on the minus strand); deleting any 2 consecutive bases within chr9:132,906,047-132,906,049 gives the same sequence; the c. name uses the placement nearest the transcript's 3' end. VCF-style (leftmost placement, unchanged base first): chr9-132906046-CTG-C. GRCh37 (hg19) VCF-style: chr9-135781433-CTG-C.
Other names: c.1530_1531delCA (NM_000368.4); c.1527_1528del, p.Asp509fs (NM_001162426.2); c.1377_1378del, p.Asp459fs (NM_001162427.2); c.1167_1168del, p.Asp389fs (NM_001362177.2); short protein forms D459fs, D509fs, D510fs, D389fs.
Identifiers: ClinVar variation 237701 (VCV000237701.7), dbSNP rs118203544, ClinGen allele CA004999.

ClinVar aggregate classification (germline): Pathogenic. Review status: criteria provided, single submitter (1 of 4 stars). 2 submissions from 2 submitters: Pathogenic (1). 1 of the submissions does not count toward it. Last evaluated 2015-12-25.

Conditions:
Tuberous sclerosis 1 (TSC1). Identifiers: Orphanet 805, MedGen C1854465, MONDO:0008612, OMIM 191100.
Tuberous sclerosis syndrome (TSC). Also called: Tuberous Sclerosis Complex; Tuberous sclerosis. Identifiers: Orphanet 805, MedGen C0041341, MONDO:0001734.

Submissions (2):

Labcorp Genetics (formerly Invitae), Labcorp
Classification: Pathogenic for Tuberous sclerosis 1. Last evaluated: 2015-12-25. Review status: criteria provided, single submitter. Criteria: Invitae Variant Classification Sherloc (09022015). Collection method: clinical testing. Allele origin: germline.
Comment: Truncating variants in TSC1 are known to be pathogenic (PMID: 10533067, 10227394). This particular truncation has been reported in the literature in an individual affected with tuberous sclerosis complex (TSC) (PMID: 9242607). This variant is also known as 1750delCA in the literature and as c.1529_1530delAC in ClinVar (Variation ID:48798). For these reasons, this variant has been classified as Pathogenic. This sequence change deletes 2 nucleotides from exon 15 of the TSC1 mRNA (c.1530_1531delCA), causing a frameshift at codon 510. This creates a premature translational stop signal (p.Asp510Glufs*24) and is expected to result in an absent or disrupted protein product.

Tuberous sclerosis database (TSC1)
No classification provided. Condition: TSC. Review status: no classification provided. Criteria: Tuberous Sclerosis Database Assertion Criteria 2015. Collection method: curation. Allele origin: germline. Affected: yes. Not counted in ClinVar's aggregate classification.

Literature cited by the submitters: PubMed 10533067 (cited by Labcorp Genetics (formerly Invitae), Labcorp); PubMed 10227394 (cited by Labcorp Genetics (formerly Invitae), Labcorp); PubMed 9242607 (cited by Labcorp Genetics (formerly Invitae), Labcorp).